The following is an entry in ClinVar:

NM_001282225.2(ADA2):c.1082-153T>C

Gene: ADA2 (adenosine deaminase 2; minus strand). Cytogenetic location: 22q11.1.
Variant type: single nucleotide variant.
Coding change: c.1082-153T>C on transcript NM_001282225.2 (MANE Select); 153 bases into the intron before coding-DNA position 1082, T replaced by C.
Molecular consequence: intron variant.
Genome position (GRCh38, 1-based): chr22:17,182,914, A>G on the plus strand (T>C on the coding strand, the complement: ADA2 is on the minus strand). VCF-style: chr22-17182914-A-G. GRCh37 (hg19) VCF-style: chr22-17663804-A-G.
Other names: c.956-153T>C (NM_001282227.2, NM_001282228.2); c.722-153T>C (NM_001282229.2); c.1082-153T>C (NM_001282226.2); c.359-153T>C (NM_177405.3).
Identifiers: ClinVar variation 1239638 (VCV001239638.5), dbSNP rs61208594, ClinGen allele CA16595515.

ClinVar aggregate classification (germline): Benign. Review status: criteria provided, multiple submitters, no conflicts (2 of 4 stars). 2 submissions from 2 submitters: Benign (2). Last evaluated 2023-11-12.

Allele frequency attached by ClinVar (database versions not stated): 1000 Genomes Project 30x 0.19925; 1000 Genomes Project 0.20148; TOPMed 0.20755; gnomAD 0.21038 and 0.21176.
gnomAD v4.1: 31,911 of 151,478 alleles (21%); highest among the groups gnomAD compares: Middle Eastern, 32%; 3,458 homozygotes.

Submissions (2):

Unidad de Genómica Garrahan, Hospital de Pediatría Garrahan
Classification: Benign. Last evaluated: 2023-11-12. Review status: criteria provided, single submitter. Criteria: ACMG Guidelines, 2015. Collection method: clinical testing. Allele origin: germline. Affected: no. Observed: 24 variant alleles.
Comment: This variant is classified as Benign based on local population frequency. This variant was detected in 25% of patients studied by a panel of primary immunodeficiencies. Number of patients: 24. Only high quality variants are reported.

GeneDx
Classification: Benign. Last evaluated: 2021-05-10. Review status: criteria provided, single submitter. Criteria: GeneDx Variant Classification Process June 2021. Collection method: clinical testing. Allele origin: germline. Affected: yes.